The following is an entry in ClinVar:

NM_000507.4(FBP1):c.976C>G (p.Leu326Val)

Gene: FBP1 (fructose-bisphosphatase 1; minus strand). Cytogenetic location: 9q22.32.
Variant type: single nucleotide variant.
Coding change: c.976C>G on transcript NM_000507.4 (MANE Select); coding-DNA position 976, C replaced by G.
Protein change: p.Leu326Val; replaces leucine 326 with valine.
Molecular consequence: missense variant.
Genome position (GRCh38, 1-based): chr9:94,603,422, G>C on the plus strand (C>G on the coding strand, the complement: FBP1 is on the minus strand). VCF-style: chr9-94603422-G-C. GRCh37 (hg19) VCF-style: chr9-97365704-G-C.
Other names: p.L326V:CTC>GTC; c.976C>G, p.Leu326Val (NM_001127628.2); short protein forms L326V.
Identifiers: ClinVar variation 214361 (VCV000214361.1), dbSNP rs767153010, ClinGen allele CA321798.

ClinVar aggregate classification (germline): Likely benign (1 of 4 stars; one submission).

Allele frequency attached by ClinVar (database versions not stated): TOPMed 0.00001; gnomAD 0.00003.
gnomAD v4.1: 9 of 1,614,060 alleles (0.00056%); highest among the groups gnomAD compares: Non-Finnish European, 0.00076%; no homozygotes.

Submission:

GeneDx
Classification: Likely benign. Last evaluated: 2014-03-06. Review status: criteria provided, single submitter. Criteria: GeneDx Variant Classification (06012015). Collection method: clinical testing. Allele origin: germline. Affected: yes.
Comment: This variant is considered likely benign or benign based on one or more of the following criteria: it is a conservative change, it occurs at a poorly conserved position in the protein, it is predicted to be benign by multiple in silico algorithms, and/or has population frequency not consistent with disease.